The following is an entry in ClinVar:

ClinVar aggregate classification (germline): Uncertain significance (1 of 4 stars; one submission).

Allele frequency attached by ClinVar (database versions not stated): TOPMed 0.00002; ExAC 0.00005; ESP Exome Variant Server 0.00008.
gnomAD v4.1: 19 of 1,613,828 alleles (0.0012%); highest among the groups gnomAD compares: South Asian, 0.0077%; no homozygotes.

Submission:

Labcorp Genetics (formerly Invitae), Labcorp
Classification: Uncertain significance. Last evaluated: 2022-10-04. Review status: criteria provided, single submitter. Criteria: Invitae Variant Classification Sherloc (09022015). Collection method: clinical testing. Allele origin: germline.
Comment: In summary, the available evidence is currently insufficient to determine the role of this variant in disease. Therefore, it has been classified as a Variant of Uncertain Significance. Advanced modeling of protein sequence and biophysical properties (such as structural, functional, and spatial information, amino acid conservation, physicochemical variation, residue mobility, and thermodynamic stability) performed at Invitae indicates that this missense variant is not expected to disrupt CAPN5 protein function. This variant has not been reported in the literature in individuals affected with CAPN5-related conditions. This variant is present in population databases (rs368150644, gnomAD 0.01%). This sequence change replaces arginine, which is basic and polar, with histidine, which is basic and polar, at codon 414 of the CAPN5 protein (p.Arg414His).

NM_004055.5(CAPN5):c.1241G>A (p.Arg414His)

Gene: CAPN5 (calpain 5; plus strand). Cytogenetic location: 11q13.5.
Variant type: single nucleotide variant.
Coding change: c.1241G>A on transcript NM_004055.5 (MANE Select); coding-DNA position 1241, G replaced by A.
Protein change: p.Arg414His; replaces arginine 414 with histidine.
Molecular consequence: missense variant.
Genome position (GRCh38, 1-based): chr11:77,119,103, G>A. VCF-style: chr11-77119103-G-A. GRCh37 (hg19) VCF-style: chr11-76830149-G-A.
Other names: short protein forms R414H.
Identifiers: ClinVar variation 1957598 (VCV001957598.5), dbSNP rs368150644, ClinGen allele CA6196736.